The following is an entry in ClinVar:

NM_004409.5(DMPK):c.*224CTG[594]

Genes: DM1-AS (DM1 locus antisense RNA; plus strand), DMPK (DM1 protein kinase; minus strand), LOC107075317 (origin of replication in DMPK trinucleotide repeat region; plus strand), LOC109461477 (dystrophia myotonica protein kinase repeat instability region; plus strand). Cytogenetic location: 19q13.32.
Variant type: Microsatellite.
Coding change: c.*224CTG[594] on transcript NM_004409.5 (MANE Select); 594 copies in a row of the 3-base unit CTG starting at c.*224.
Molecular consequence: 3 prime UTR variant.
Genome position: GRCh38, VCF-style position (the base before the change): chr19:45,770,204. GRCh37 (hg19), VCF-style position (the base before the change): chr19:46,273,462.
Other names: DM1 CTG repeat expansion; c.*217CTG[594] (NM_001424162.1, NM_001081562.3, NM_001288765.2 and 2 more transcripts); c.*224CTG[594] (NM_001081560.3, NM_001288764.2, NM_001424165.1 and 1 more transcripts); c.*222_*224TGC[594] (NM_001081563.3); c.*369CTG[594] (NM_001288766.2, NM_001424164.1, NM_001424168.1).
Identifiers: ClinVar variation 188011 (VCV000188011.2), ClinGen allele CA915951837.

ClinVar aggregate classification (germline): Pathogenic (0 of 4 stars; one submission).

Conditions:
Steinert myotonic dystrophy syndrome (DM1). Also called: STEINERT DISEASE; Myotonic dystrophy type 1; Dystrophia myotonica type 1; Steinert myotonic dystrophy; Steinert's disease. Identifiers: Orphanet 273, MedGen C3250443, MONDO:0008056, OMIM 160900.

Submission:

Institute of Molecular, Cell and Systems Biology, University of Glasgow
Classification: Pathogenic for Steinert myotonic dystrophy syndrome. Review status: no assertion criteria provided. Criteria: research. Collection method: research. Allele origin: germline. Inheritance: Autosomal dominant inheritance. Affected: yes. Observed: 1 heterozygote.
Comment: DMPK CTG repeat expansions greater than approximately 45-50 repeats are assumed to be pathogenic

This record is based on data published in PubMed 25052313, which reports only ClinVar accessions SCV000120188 and SCV000120189. The complete data set includes SCV000207445 - SCV000207579.

Literature cited by the submitters: PubMed 1346923; PubMed 1546326; PubMed 25052313.